The following is an entry in ClinVar:

NM_001367561.1(DOCK7):c.3010G>C (p.Ala1004Pro)

Gene: DOCK7 (dedicator of cytokinesis 7; minus strand). Cytogenetic location: 1p31.3.
Variant type: single nucleotide variant.
Coding change: c.3010G>C on transcript NM_001367561.1 (MANE Select); coding-DNA position 3010, G replaced by C.
Protein change: p.Ala1004Pro; replaces alanine 1004 with proline.
Molecular consequence: missense variant.
Genome position (GRCh38, 1-based): chr1:62,542,643, C>G on the plus strand (G>C on the coding strand, the complement: DOCK7 is on the minus strand). VCF-style: chr1-62542643-C-G. GRCh37 (hg19) VCF-style: chr1-63008314-C-G.
Other names: c.3010G>C, p.Ala1004Pro (NM_001271999.2, NM_001330614.2); c.2917G>C, p.Ala973Pro (NM_001272000.2, NM_001272001.2, NM_033407.4); short protein forms A973P, A1004P.
Identifiers: ClinVar variation 3694650 (VCV003694650.2).
Genomic context (GRCh38, chr1:62,542,643, plus strand): 5'-AAGAACATGCTCAGTTTTTGCTCACCATTAATTCAAAAAAGAACCAGGCTTGTTGCAAAG[C>G]TGATTCCCGAACGCTGCCACTGCAAACAACCCACTGCAAAGCCAGCTCCTCGTGAAAAAG-3'
Protein context (NP_001354490.1, residues 994-1014): VVCSGSVRES[Ala1004Pro]LQQAWFFFEL

ClinVar aggregate classification (germline): Uncertain significance (1 of 4 stars; one submission).

Conditions:
Developmental and epileptic encephalopathy, 23 (DEE23). Also called: Epileptic encephalopathy, early infantile, 23. Identifiers: Orphanet 411986, MedGen C4014492, MONDO:0014371, OMIM 615859.

Submission:

Labcorp Genetics (formerly Invitae), Labcorp
Classification: Uncertain significance for Developmental and epileptic encephalopathy, 23. Last evaluated: 2025-01-19. Review status: criteria provided, single submitter. Criteria: Invitae Variant Classification Sherloc (09022015). Collection method: clinical testing. Allele origin: germline.
Comment: This sequence change replaces alanine, which is neutral and non-polar, with proline, which is neutral and non-polar, at codon 1004 of the DOCK7 protein (p.Ala1004Pro). This variant is not present in population databases (gnomAD no frequency). This variant has not been reported in the literature in individuals affected with DOCK7-related conditions. Invitae Evidence Modeling of protein sequence and biophysical properties (such as structural, functional, and spatial information, amino acid conservation, physicochemical variation, residue mobility, and thermodynamic stability) has been performed for this missense variant. However, the output from this modeling did not meet the statistical confidence thresholds required to predict the impact of this variant on DOCK7 protein function. In summary, the available evidence is currently insufficient to determine the role of this variant in disease. Therefore, it has been classified as a Variant of Uncertain Significance.